The following is an entry in ClinVar:

NM_130384.3(ATRIP):c.122C>T (p.Ala41Val)

Genes: ATRIP (ATR interacting protein; plus strand), ATRIP-TREX1 (ATRIP-TREX1 readthrough; plus strand), LOC129936703 (ATAC-STARR-seq lymphoblastoid silent region 14331; plus strand). Cytogenetic location: 3p21.31.
Variant type: single nucleotide variant.
Coding change: c.122C>T on transcript NM_130384.3 (MANE Select); coding-DNA position 122, C replaced by T.
Protein change: p.Ala41Val; replaces alanine 41 with valine.
Molecular consequence: missense variant. On other transcripts: non-coding transcript variant (1), intron variant (1).
Genome position (GRCh38, 1-based): chr3:48,446,967, C>T. VCF-style: chr3-48446967-C-T. GRCh37 (hg19) VCF-style: chr3-48488371-C-T.
Other names: c.122C>T, p.Ala41Val (NM_032166.4); c.-218+168C>T (NM_001271022.2); short protein forms A41V.
Identifiers: ClinVar variation 3465234 (VCV003465234.1).

ClinVar aggregate classification (germline): Uncertain significance (1 of 4 stars; one submission).

gnomAD v4.1: 7 of 1,549,446 alleles (0.00045%); highest among the groups gnomAD compares: Non-Finnish European, 0.00052%; no homozygotes.

Submission:

Ambry Genetics
Classification: Uncertain significance. Last evaluated: 2024-12-08. Review status: criteria provided, single submitter. Criteria: Ambry Variant Classification Scheme 2023. Collection method: clinical testing. Allele origin: germline.
Comment: The p.A41V variant (also known as c.122C>T), located in coding exon 1 of the ATRIP gene, results from a C to T substitution at nucleotide position 122. The alanine at codon 41 is replaced by valine, an amino acid with similar properties. This amino acid position is conserved. In addition, this alteration is predicted to be tolerated by in silico analysis. Based on the available evidence, the clinical significance of this variant remains unclear.